The following is an entry in ClinVar:

NM_015459.5(ATL3):c.*10G>A

Genes: ATL3 (atlastin GTPase 3; minus strand), LNCROPM (lncRNA regulator of PLAAT3 mediated phospholipid metabolism; plus strand). Cytogenetic location: 11q13.1.
Variant type: single nucleotide variant.
Coding change: c.*10G>A on transcript NM_015459.5 (MANE Select); 10 bases downstream of the stop codon, G replaced by A.
Molecular consequence: 3 prime UTR variant.
Genome position (GRCh38, 1-based): chr11:63,629,309, C>T on the plus strand (G>A on the coding strand, the complement: ATL3 is on the minus strand). VCF-style: chr11-63629309-C-T. GRCh37 (hg19) VCF-style: chr11-63396781-C-T.
Other names: c.*10G>A (NM_001290048.2).
Identifiers: ClinVar variation 3034341 (VCV003034341.2), dbSNP rs373299005, ClinGen allele CA6063456.

ClinVar aggregate classification (germline): Likely benign (0 of 4 stars; one submission).

Conditions:
ATL3-related disorder. Also called: ATL3-related condition.

Allele frequency attached by ClinVar (database versions not stated): ExAC 0.00001; TOPMed below 0.00001.
gnomAD v4.1: 6 of 1,610,788 alleles (0.00037%); highest among the groups gnomAD compares: African/African-American, 0.0027%; no homozygotes.

Submission:

PreventionGenetics, part of Exact Sciences
Classification: Likely benign for ATL3-related condition. Last evaluated: 2019-03-18. Review status: no assertion criteria provided. Collection method: clinical testing. Allele origin: germline.
Comment: This variant is classified as likely benign based on ACMG/AMP sequence variant interpretation guidelines (Richards et al. 2015 PMID: 25741868, with internal and published modifications).